The following is an entry in ClinVar:

ClinVar aggregate classification (germline): Uncertain significance. Review status: criteria provided, multiple submitters, no conflicts (2 of 4 stars). 2 submissions from 2 submitters: Uncertain significance (2). Last evaluated 2024-07-18.

Conditions:
Inborn genetic diseases. Identifiers: MedGen C0950123, MeSH D030342.

Allele frequency attached by ClinVar (database versions not stated): TOPMed below 0.00001; ExAC 0.00002.
gnomAD v4.1: 22 of 1,503,934 alleles (0.0015%); highest among the groups gnomAD compares: Middle Eastern, 0.017%; no homozygotes.

Submissions (2):

Ambry Genetics
Classification: Uncertain significance for Inborn genetic diseases. Last evaluated: 2024-07-18. Review status: criteria provided, single submitter. Criteria: Ambry Variant Classification Scheme 2023. Collection method: clinical testing. Allele origin: germline.
Comment: The c.716-3C>T intronic alteration consists of a C to T substitution 3 nucleotides before coding exon 8 in the FARSB gene. Based on insufficient or conflicting evidence, the clinical significance of this alteration remains unclear.

Labcorp Genetics (formerly Invitae), Labcorp
Classification: Uncertain significance. Last evaluated: 2024-02-17. Review status: criteria provided, single submitter. Criteria: Invitae Variant Classification Sherloc (09022015). Collection method: clinical testing. Allele origin: germline.
Comment: This sequence change falls in intron 7 of the FARSB gene. It does not directly change the encoded amino acid sequence of the FARSB protein. It affects a nucleotide within the consensus splice site. This variant is present in population databases (rs781522279, gnomAD 0.004%). This variant has not been reported in the literature in individuals affected with FARSB-related conditions. ClinVar contains an entry for this variant (Variation ID: 1425899). Variants that disrupt the consensus splice site are a relatively common cause of aberrant splicing (PMID: 17576681, 9536098). Algorithms developed to predict the effect of sequence changes on RNA splicing suggest that this variant is not likely to affect RNA splicing. In summary, the available evidence is currently insufficient to determine the role of this variant in disease. Therefore, it has been classified as a Variant of Uncertain Significance.

Literature cited by the submitters: PubMed 17576681 (cited by Labcorp Genetics (formerly Invitae), Labcorp); PubMed 9536098 (cited by Labcorp Genetics (formerly Invitae), Labcorp).

NM_005687.5(FARSB):c.716-3C>T

Gene: FARSB (phenylalanyl-tRNA synthetase subunit beta; minus strand). Cytogenetic location: 2q36.1.
Variant type: single nucleotide variant.
Coding change: c.716-3C>T on transcript NM_005687.5 (MANE Select); 3 bases into the intron before coding-DNA position 716, C replaced by T.
Molecular consequence: intron variant.
Genome position (GRCh38, 1-based): chr2:222,631,677, G>A on the plus strand (C>T on the coding strand, the complement: FARSB is on the minus strand). VCF-style: chr2-222631677-G-A. GRCh37 (hg19) VCF-style: chr2-223496396-G-A.
Other names: c.716-3C>T (NM_005687.3).
Identifiers: ClinVar variation 1425899 (VCV001425899.7), dbSNP rs781522279, ClinGen allele CA2136572.